The following is an entry in ClinVar:

NM_001348323.3(TRIP12):c.4606A>T (p.Asn1536Tyr)

Gene: TRIP12 (thyroid hormone receptor interactor 12; minus strand). Cytogenetic location: 2q36.3.
Variant type: single nucleotide variant.
Coding change: c.4606A>T on transcript NM_001348323.3 (MANE Select); coding-DNA position 4606, A replaced by T.
Protein change: p.Asn1536Tyr; replaces asparagine 1536 with tyrosine.
Molecular consequence: missense variant.
Genome position (GRCh38, 1-based): chr2:229,789,700, T>A on the plus strand (A>T on the coding strand, the complement: TRIP12 is on the minus strand). VCF-style: chr2-229789700-T-A. GRCh37 (hg19) VCF-style: chr2-230654416-T-A.
Other names: c.4525A>T, p.Asn1509Tyr (NM_001284214.2, NM_001348315.2); c.4480A>T, p.Asn1494Tyr (NM_001284215.2, NM_001348316.2); c.3571A>T, p.Asn1191Tyr (NM_001284216.2); c.4465A>T, p.Asn1489Tyr (NM_001348317.1, NM_001348318.2); c.4591A>T, p.Asn1531Tyr (NM_001348319.1, NM_001348320.2); c.4594A>T, p.Asn1532Tyr (NM_001348321.1); c.4606A>T, p.Asn1536Tyr (NM_001348322.1, NM_001348324.2, NM_001348325.2 and 2 more transcripts); c.4609A>T, p.Asn1537Tyr (NM_001348328.1, NM_001348329.2, NM_001348330.2); and 4 more; short protein forms N1461Y, N1489Y, N1494Y, N1531Y, N1536Y, N1502Y, N1509Y, N1462Y.
Identifiers: ClinVar variation 3973859 (VCV003973859.3).

ClinVar aggregate classification (germline): Uncertain significance. Review status: criteria provided, multiple submitters, no conflicts (2 of 4 stars). 2 submissions from 2 submitters: Uncertain significance (2). Last evaluated 2026-03-18.

Conditions:
Inborn genetic diseases. Identifiers: MedGen C0950123, MeSH D030342.

gnomAD v4.1: 2 of 1,613,960 alleles (0.00012%); highest among the groups gnomAD compares: African/African-American, 0.0027%; no homozygotes.

Submissions (2):

Dasa
Classification: Uncertain significance. Last evaluated: 2026-03-18. Review status: criteria provided, single submitter. Criteria: DASA Assertion Criteria. Collection method: clinical testing. Allele origin: germline.
Comment: NM_001348323.3(TRIP12):c.4606A>T (p.Asn1536Tyr) is a missense variant that results in the substitution of asparagine with tyrosine. This variant is rare in population databases. Computational prediction algorithms are consistent with a benign effect. The currently available literature and clinical evidence are not sufficient to establish a definitive association between this variant and the reported condition. Therefore, this variant is classified as a variant of uncertain significance.

Ambry Genetics
Classification: Uncertain significance for Inborn genetic diseases. Last evaluated: 2025-04-01. Review status: criteria provided, single submitter. Criteria: Ambry Variant Classification Scheme 2023. Collection method: clinical testing. Allele origin: germline.